The following is an entry in ClinVar:

ClinVar aggregate classification (germline): Uncertain significance (1 of 4 stars; one submission).

Conditions:
Intellectual developmental disorder, X-linked 19. Also called: Intellectual disability, X-linked 19. Identifiers: Orphanet 777, MedGen C0796225, MONDO:0010447, OMIM 300844.
Coffin-Lowry syndrome (CLS). Also called: COFFIN-LOWRY SYNDROME, MILD; Mental retardation with osteocartilaginous abnormalities. Identifiers: Orphanet 192, MedGen C0265252, MONDO:0010561, OMIM 303600.

Allele frequency attached by ClinVar (database versions not stated): gnomAD exomes below 0.00001; TOPMed below 0.00001.
gnomAD v4.1: 2 of 1,179,410 alleles (0.00017%); highest among the groups gnomAD compares: Non-Finnish European, 0.00023%; no homozygotes.

Submission:

Labcorp Genetics (formerly Invitae), Labcorp
Classification: Uncertain significance for Coffin-Lowry syndrome; Intellectual developmental disorder, X-linked 19. Last evaluated: 2023-09-06. Review status: criteria provided, single submitter. Criteria: Invitae Variant Classification Sherloc (09022015). Collection method: clinical testing. Allele origin: germline.
Comment: This sequence change falls in intron 15 of the RPS6KA3 gene. It does not directly change the encoded amino acid sequence of the RPS6KA3 protein. It affects a nucleotide within the consensus splice site. In summary, the available evidence is currently insufficient to determine the role of this variant in disease. Therefore, it has been classified as a Variant of Uncertain Significance. Variants that disrupt the consensus splice site are a relatively common cause of aberrant splicing (PMID: 17576681, 9536098). Algorithms developed to predict the effect of sequence changes on RNA splicing suggest that this variant is not likely to affect RNA splicing. This variant has not been reported in the literature in individuals affected with RPS6KA3-related conditions. This variant is present in population databases (no rsID available, gnomAD 0.002%).

Literature cited by the submitters: PubMed 17576681; PubMed 9536098.

NM_004586.3(RPS6KA3):c.1353+6T>A

Gene: RPS6KA3 (ribosomal protein S6 kinase A3; minus strand). Cytogenetic location: Xp22.12.
Variant type: single nucleotide variant.
Coding change: c.1353+6T>A on transcript NM_004586.3 (MANE Select); 6 bases into the intron after coding-DNA position 1353, T replaced by A.
Molecular consequence: intron variant.
Genome position (GRCh38, 1-based): chrX:20,172,740, A>T on the plus strand (T>A on the coding strand, the complement: RPS6KA3 is on the minus strand). VCF-style: chrX-20172740-A-T. GRCh37 (hg19) VCF-style: chrX-20190858-A-T.
Identifiers: ClinVar variation 2925309 (VCV002925309.3), dbSNP rs910939389, ClinGen allele CA327474691.
Genomic context (GRCh38, chrX:20,172,740, plus strand): 5'-TTTAACTGGTACTGACATGCATGAACAAGAACTGTATGAATTGCATTTTAAATAAAAAAA[A>T]TTTACCTTCACTGCAAACTCCATGTTTGTAGCTTTATGTATACATCTCTTGCAAACAGAG-3'